The following is an entry in ClinVar:

NM_000937.5(POLR2A):c.4492+1G>A

Genes: POLR2A (RNA polymerase II subunit A; plus strand), LOC126862482 (CDK7 strongly-dependent group 2 enhancer GRCh37_chr17:7414586-7415785; plus strand). Cytogenetic location: 17p13.1.
Variant type: single nucleotide variant.
Coding change: c.4492+1G>A on transcript NM_000937.5 (MANE Select); the canonical splice donor site of the intron after coding-DNA position 4492, G replaced by A.
Molecular consequence: splice donor variant.
Genome position (GRCh38, 1-based): chr17:7,512,345, G>A. VCF-style: chr17-7512345-G-A. GRCh37 (hg19) VCF-style: chr17-7415664-G-A.
Identifiers: ClinVar variation 1304730 (VCV001304730.2), dbSNP rs2150890123, ClinGen allele CA397826437.
Genomic context (GRCh38, chr17:7,512,345, plus strand): 5'-AGAAGTGCAAGTATGGCATGGAGATCCCCACCAATATCCCCGGCCTGGGGGCTGCTGGAC[G>A]TGAGTATGAGGCCCCAGCTGCGGTACCTGCTTGCGTCGGCGAGGCGGGGGGGCAGGCCAT-3'

ClinVar aggregate classification (germline): Uncertain significance (1 of 4 stars; one submission).

Submission:

GeneDx
Classification: Uncertain significance. Last evaluated: 2019-12-23. Review status: criteria provided, single submitter. Criteria: GeneDx Variant Classification Process June 2021. Collection method: clinical testing. Allele origin: germline. Affected: yes.
Comment: Not observed in large population cohorts (Lek et al., 2016); Canonical splice site variant expected to result in aberrant splicing, although in the absence of functional evidence the actual effect of this sequence change is unknown; Has not been previously published as pathogenic or benign to our knowledge